The following is an entry in ClinVar:

GRCh38/hg38 1p36.33-36.32(chr1:844347-4665295)x1

Genes: ACAP3 (ArfGAP with coiled-coil, ankyrin repeat and PH domains 3; minus strand), ACTRT2 (actin related protein T2; plus strand), AGRN (agrin; plus strand), AJAP1 (adherens junctions associated protein 1; plus strand), ANKRD65 (ankyrin repeat domain 65; minus strand) and 326 more. Cytogenetic location: 1p36.33-36.32.
Variant type: copy number loss.
Change: copy number 1 (one copy instead of two) of chr1:844,347-4,665,295 (3.82 Mb, GRCh38 coordinates, 1-based), cytogenetic band 1p36.33-36.32.
Identifiers: ClinVar variation 58289 (VCV000058289.1).

ClinVar aggregate classification (germline): Pathogenic (1 of 4 stars; one submission).

Submission:

ISCA site 17
Classification: Pathogenic. Last evaluated: 2011-08-12. Review status: criteria provided, single submitter. Criteria: Kaminsky et al. (Genet Med. 2011). Collection method: clinical testing. Allele origin: unknown. Affected: yes. Observed: 1 variant allele.
Comment: Copy number variation identified through the course of routine clinical cytogenomic testing in postnatal populations. Clinical assertions have been curated as described in Kaminsky et al. 2011.